The following is an entry in ClinVar:

NM_001365951.3(KIF1B):c.5281A>C (p.Met1761Leu)

Gene: KIF1B (kinesin family member 1B; plus strand). Cytogenetic location: 1p36.22.
Variant type: single nucleotide variant.
Coding change: c.5281A>C on transcript NM_001365951.3 (MANE Select); coding-DNA position 5281, A replaced by C.
Protein change: p.Met1761Leu; replaces methionine 1761 with leucine.
Molecular consequence: missense variant.
Genome position (GRCh38, 1-based): chr1:10,375,038, A>C. VCF-style: chr1-10375038-A-C. GRCh37 (hg19) VCF-style: chr1-10435096-A-C.
Other names: c.5281A>C, p.Met1761Leu (NM_001365952.1); c.5143A>C, p.Met1715Leu (NM_015074.3); short protein forms M1715L, M1761L.
Identifiers: ClinVar variation 3226538 (VCV003226538.1), dbSNP rs2521983795, ClinGen allele CA338330974.

ClinVar aggregate classification (germline): Uncertain significance (1 of 4 stars; one submission).

Allele frequency attached by ClinVar (database versions not stated): gnomAD exomes below 0.00001.

Submission:

Ambry Genetics
Classification: Uncertain significance. Last evaluated: 2024-03-09. Review status: criteria provided, single submitter. Criteria: Ambry Variant Classification Scheme 2023. Collection method: clinical testing. Allele origin: germline.
Comment: The p.M1715L variant (also known as c.5143A>C), located in coding exon 44 of the KIF1B gene, results from an A to C substitution at nucleotide position 5143. The methionine at codon 1715 is replaced by leucine, an amino acid with highly similar properties. This amino acid position is conserved. In addition, the in silico prediction for this alteration is inconclusive. Based on the available evidence, the clinical significance of this alteration remains unclear.